The following continues an entry in ClinVar:

NM_002016.2(FLG):c.1501C>T (p.Arg501Ter)

ClinVar aggregate classification (germline): Pathogenic/Likely pathogenic. Pathogenic (39); Likely pathogenic (3).

Submissions 40 to 52 of 54:

Geisinger Autism and Developmental Medicine Institute, Geisinger Health System
Classification: Pathogenic for Dermatitis, atopic, 2. Last evaluated: 2018-01-23. Review status: criteria provided, single submitter. Criteria: ACMG Guidelines, 2015. Collection method: provider interpretation, clinical testing. Allele origin: paternal. Affected: yes. Observed: 1 variant allele.
Comment: This variant is present in gnomAD at 0.94%, occurring 1.6% in the European Non-Finnish population including 17 homozygotes.

Institute for Genomic Medicine (IGM) Clinical Laboratory, Nationwide Children's Hospital
Classification: Pathogenic for Ichthyosis vulgaris; Dermatitis, atopic, 2. Last evaluated: 2017-12-04. Review status: criteria provided, single submitter. Criteria: ACMG Guidelines, 2015. Collection method: clinical testing. Allele origin: germline. Affected: yes.
Comment: [ACMG/AMP: PVS1, PM3, PP5] This alteration is a null variant in a gene where LOF is a known mechanism of disease [PVS1], is detected in trans with a known pathogenic variant [PM3], was reported as a pathogenic/likely pathogenic alteration by a reputable source (ClinVar or other correspondence from a clinical testing laboratory) [PP5].

Juno Genomics, Hangzhou Juno Genomics, Inc
Classification: Pathogenic for Dermatitis, atopic, 2; Ichthyosis vulgaris. Review status: criteria provided, single submitter. Criteria: ACMG Guidelines, 2015. Collection method: clinical testing. Allele origin: germline.
Comment: Null variant in a gene where loss of function (LOF) is a known mechanism of disease.;The prevalence of the variant in affected individuals is significantly increased compared to the prevalence in controls.;Co-segregation with disease in multiple affected family members.;Patient's phenotype or family history is highly specific for a disease with a single genetic etiology.

Molecular Genetics Laboratory, BC Children's and BC Women's Hospitals
Classification: Pathogenic for Ichthyosis vulgaris. Last evaluated: 2025-12-18. Review status: no assertion criteria provided. Criteria: ACMG Guidelines, 2015. Collection method: clinical testing. Allele origin: unknown. Affected: yes. Not counted in ClinVar's aggregate classification.

Laboratory of Research in Genomics, Genetics and Bioinformatics, Hospital Infantil de Mexico Federico Gomez
Classification: Pathogenic for Ichthyosis vulgaris. Last evaluated: 2025-04-08. Review status: no assertion criteria provided. Collection method: research. Allele origin: germline. Affected: yes. Not counted in ClinVar's aggregate classification.

Reproductive Health Research and Development, BGI Genomics
Classification: Pathogenic for Ichthyosis vulgaris. Last evaluated: 2020-01-06. Review status: no assertion criteria provided. Collection method: curation. Allele origin: germline. Not counted in ClinVar's aggregate classification.
Comment: NM_002016.1:c.1501C>T in the FLG gene has an allele frequency of 0.016 in European (no Finnish) subpopulation in the gnomAD database.This variant is predicted to cause loss of normal protein function either through protein truncation or nonsense-mediated mRNA decay. It was detected in multiple individuals, compound heterozygous with c.2282del4 (PMID:16444271). The patient's phenotype is highly specific for FLG (PMID:16444271). Taken together, we interprete this variant as Pathogenic/Likely pathogenic. ACMG/AMP criteria applied: PVS1; PM3; PP4.

Division of Human Genetics, Children's Hospital of Philadelphia
Classification: Pathogenic for ichthyosis vulgaris. Last evaluated: 2015-02-03. Review status: no assertion criteria provided. Collection method: research. Allele origin: germline. Affected: no. Study: CSER-PediSeq. Not counted in ClinVar's aggregate classification.
Comment: The FLG variant (c.1501C>T) is a nonsense mutation that is predicted to prematurely truncate the transcript. It has been identified in many patients in the literature and is one of the most common pathogenic mutations identified in this gene in populations of European ancestry (Smith et al. 2006, PMID: 16444271; Weidinger et al. 2007, PMID: 16815158; Palmer et al. 2008, PMID: 16550169). Carriers of this variant have reported to be either asymptomatic with no discernible presentation or be affected by a mild form of icthythosis (Smith et al. 2006, PMID: 16444271) and are at an increased risk for having atopic disease (Palmer et al. 2008, PMID: 16550169).

OMIM
Classification: Pathogenic for ICHTHYOSIS VULGARIS. Last evaluated: 2006-10-01. Review status: no assertion criteria provided. Collection method: literature only. Allele origin: germline. Not counted in ClinVar's aggregate classification.

OMIM
Classification: risk factor for DERMATITIS, ATOPIC, 2, SUSCEPTIBILITY TO. Last evaluated: 2006-10-01. Review status: no assertion criteria provided. Collection method: literature only. Allele origin: germline. Not counted in ClinVar's aggregate classification.

Clinical Genetics DNA and cytogenetics Diagnostics Lab, Erasmus MC, Erasmus Medical Center
Classification: Pathogenic. Review status: no assertion criteria provided. Collection method: clinical testing. Allele origin: germline. Affected: yes. Study: VKGL Data-share Consensus. Not counted in ClinVar's aggregate classification.

Department of Pathology and Laboratory Medicine, Sinai Health System
Classification: Pathogenic. Review status: no assertion criteria provided. Collection method: clinical testing. Allele origin: unknown. Affected: yes. Study: The Canadian Open Genetics Repository (COGR). Not counted in ClinVar's aggregate classification.
Comment: The FLG p.R501* variant is a common pathogenic variant associated with ichthyosis vulgaris; individuals compound heterozygous or homozygous for the p.R501* variant were found to have a more severe phenotype while heterozygotes had a mild phenotype (Smith_2006_PMID:16444271; Palmer_2006_PMID:16550169). Unaffected individuals with the p.R501* variant have also been identified, suggesting incomplete penetrance. The p.R501* variant was found to strongly predispose for atopic dermatitis and asthma (Palmer_2006_PMID:16550169; Henderson_2008_PMID:18325573). The variant was identified in dbSNP (ID: rs61816761), ClinVar (classified as pathogenic by six submitters) and LOVD 3.0 (classified as pathogenic). The variant was identified in control databases in 2653 of 282652 chromosomes (21 homozygous) at a frequency of 0.009386 (Genome Aggregation Database March 6, 2019, v2.1.1). The variant was observed in the following populations: European (non-Finnish) in 2114 of 129034 chromosomes (freq: 0.01638), Ashkenazi Jewish in 128 of 10366 chromosomes (freq: 0.01235), Other in 69 of 7214 chromosomes (freq: 0.009565), African in 106 of 24920 chromosomes (freq: 0.004254), Latino in 145 of 35438 chromosomes (freq: 0.004092), European (Finnish) in 51 of 25120 chromosomes (freq: 0.00203), South Asian in 39 of 30616 chromosomes (freq: 0.001274), and East Asian in 1 of 19944 chromosomes (freq: 0.00005). The c.1501C>T variant leads to a premature stop codon at position 501 which is predicted to lead to a truncated or absent protein and loss of function. Loss of function variants of the FLG gene are an established mechanism of disease in ichthyosis vulgaris and are known to cause the disorder. The variant occurs outside of the splicing consensus sequence and in silico or computational prediction software programs (SpliceSiteFinder, MaxEntScan, NNSPLICE, GeneSplicer) do not predict a difference in splicing. In summary, based on the above information this variant meets our laboratoryâ€šÃ„Ã´s criteria to be classified as pathogenic.

Diagnostic Laboratory, Department of Genetics, University Medical Center Groningen
Classification: Pathogenic. Review status: no assertion criteria provided. Collection method: clinical testing. Allele origin: germline. Affected: yes. Study: VKGL Data-share Consensus. Not counted in ClinVar's aggregate classification.

Genome Diagnostics Laboratory, Amsterdam University Medical Center
Classification: Pathogenic. Review status: no assertion criteria provided. Collection method: clinical testing. Allele origin: germline. Affected: yes. Study: VKGL Data-share Consensus. Not counted in ClinVar's aggregate classification.